The following is an entry in ClinVar:

ClinVar aggregate classification (germline): Pathogenic. Review status: reviewed by expert panel (3 of 4 stars). 3 submissions from 3 submitters: Pathogenic (1). 2 of the submissions do not count toward it. Last evaluated 2018-04-01.

Conditions:
Breast-ovarian cancer, familial, susceptibility to, 2 (BROVCA2). Also called: BRCA2 Hereditary Breast and Ovarian Cancer. Identifiers: Orphanet 145, MedGen C2675520, MONDO:0012933, OMIM 612555. Disease mechanism: loss of function.

Submissions (3):

Evidence-based Network for the Interpretation of Germline Mutant Alleles (ENIGMA)
Classification: Pathogenic for Breast-ovarian cancer, familial, susceptibility to, 2. Last evaluated: 2018-04-01. Review status: reviewed by expert panel. Criteria: ENIGMA BRCA1/2 Classification Criteria (2017-06-29). Collection method: curation. Allele origin: germline.
Comment: Complete skipping of exon 3 (r.68_316del) in patient-derived mRNA RT-PCR splicing assay (PMID: 9537232). Molecular consequence is the same as other variants designated as pathogenic as determined by multifactorial likelihood analysis (PMID: 29707112). Specifically, pathogenic consequence of the in-frame transcript without exon 3 has been shown in another family with a deletion of this exon, by co-segregation analysis with LR >1300:1 in favour of pathogenicity (PMID: 29707112).

Clinical Genetics Laboratory, Skane University Hospital Lund
Classification: Pathogenic. Last evaluated: 2022-05-27. Review status: criteria provided, single submitter. Criteria: ACMG Guidelines, 2015. Collection method: clinical testing. Allele origin: germline. Affected: yes. Not counted in ClinVar's aggregate classification.

BRCAlab, Lund University
Classification: Pathogenic for Breast-ovarian cancer, familial, susceptibility to, 2. Last evaluated: 2020-03-02. Review status: no assertion criteria provided. Collection method: clinical testing. Allele origin: germline. Affected: yes. Not counted in ClinVar's aggregate classification.

Literature cited by the submitters: PubMed 29707112 (cited by Evidence-based Network for the Interpretation of Germline Mutant Alleles (ENIGMA)).

NM_000059.4(BRCA2):c.277_317-726delinsCCAT

Gene: BRCA2 (BRCA2 DNA repair associated; plus strand). Cytogenetic location: 13q13.1.
Variant type: Indel.
Coding change: c.277_317-726delinsCCAT on transcript NM_000059.4 (MANE Select); coding-DNA position 277 through 726 bases into the intron before coding-DNA position 317, the reference bases replaced by CCAT.
Molecular consequence: splice donor variant.
Genome position (GRCh38, 1-based): chr13:32,319,286-32,324,350, 5,065 bases replaced. GRCh37 (hg19): chr13:32,893,423-32,898,487.
Identifiers: ClinVar variation 810853 (VCV000810853.4), ClinGen allele CA915943610.